The following is an entry in ClinVar:

ClinVar aggregate classification (germline): Uncertain significance (1 of 4 stars; one submission).

Allele frequency attached by ClinVar (database versions not stated): gnomAD exomes 0.00001; ExAC 0.00002.
gnomAD v4.1: 8 of 1,614,102 alleles (0.0005%); highest among the groups gnomAD compares: Admixed American, 0.0017%; no homozygotes.

Submission:

Labcorp Genetics (formerly Invitae), Labcorp
Classification: Uncertain significance. Last evaluated: 2023-03-14. Review status: criteria provided, single submitter. Criteria: Invitae Variant Classification Sherloc (09022015). Collection method: clinical testing. Allele origin: germline.
Comment: In summary, the available evidence is currently insufficient to determine the role of this variant in disease. Therefore, it has been classified as a Variant of Uncertain Significance. An algorithm developed to predict the effect of missense changes on protein structure and function (PolyPhen-2) suggests that this variant is likely to be disruptive. ClinVar contains an entry for this variant (Variation ID: 1059123). This variant has not been reported in the literature in individuals affected with LRRC8A-related conditions. This variant is present in population databases (rs200499695, gnomAD 0.003%). This sequence change replaces proline, which is neutral and non-polar, with leucine, which is neutral and non-polar, at codon 384 of the LRRC8A protein (p.Pro384Leu).

NM_019594.4(LRRC8A):c.1151C>T (p.Pro384Leu)

Gene: LRRC8A (leucine rich repeat containing 8 VRAC subunit A; plus strand). Cytogenetic location: 9q34.11.
Variant type: single nucleotide variant.
Coding change: c.1151C>T on transcript NM_019594.4 (MANE Select); coding-DNA position 1151, C replaced by T.
Protein change: p.Pro384Leu; replaces proline 384 with leucine.
Molecular consequence: missense variant.
Genome position (GRCh38, 1-based): chr9:128,908,315, C>T. VCF-style: chr9-128908315-C-T. GRCh37 (hg19) VCF-style: chr9-131670594-C-T.
Other names: c.1151C>T, p.Pro384Leu (NM_001127244.2, NM_001127245.2); short protein forms P384L.
Identifiers: ClinVar variation 1059123 (VCV001059123.9), dbSNP rs200499695, ClinGen allele CA5270843.